The following is an entry in ClinVar:

NM_024675.4(PALB2):c.658A>G (p.Ser220Gly)

Gene: PALB2 (partner and localizer of BRCA2; minus strand). Cytogenetic location: 16p12.2.
Variant type: single nucleotide variant.
Coding change: c.658A>G on transcript NM_024675.4 (MANE Select); coding-DNA position 658, A replaced by G.
Protein change: p.Ser220Gly; replaces serine 220 with glycine.
Molecular consequence: missense variant.
Genome position (GRCh38, 1-based): chr16:23,635,888, T>C on the plus strand (A>G on the coding strand, the complement: PALB2 is on the minus strand). VCF-style: chr16-23635888-T-C. GRCh37 (hg19) VCF-style: chr16-23647209-T-C.
Other names: short protein forms S220G.
Identifiers: ClinVar variation 1397505 (VCV001397505.11), dbSNP rs2142438155, ClinGen allele CA395136471.

ClinVar aggregate classification (germline): Uncertain significance. Review status: criteria provided, multiple submitters, no conflicts (2 of 4 stars). 3 submissions from 3 submitters: Uncertain significance (3). Last evaluated 2023-12-16.

Conditions:
Hereditary cancer-predisposing syndrome. Also called: Hereditary Cancer Syndrome; Hereditary neoplastic syndrome; Tumor predisposition; Neoplastic Syndromes, Hereditary. Identifiers: Orphanet 140162, MedGen C0027672, MeSH D009386, MONDO:0015356.
Familial cancer of breast. Also called: hereditary breast carcinoma; Hereditary breast cancer; BREAST CANCER, FAMILIAL. Identifiers: Orphanet 227535, MedGen C0346153, MONDO:0016419, OMIM 114480. Disease mechanism: loss of function.

Submissions (3):

Ambry Genetics
Classification: Uncertain significance for Hereditary cancer-predisposing syndrome. Last evaluated: 2023-12-16. Review status: criteria provided, single submitter. Criteria: Ambry Variant Classification Scheme 2023. Collection method: clinical testing. Allele origin: germline.
Comment: The p.S220G variant (also known as c.658A>G), located in coding exon 4 of the PALB2 gene, results from an A to G substitution at nucleotide position 658. The serine at codon 220 is replaced by glycine, an amino acid with similar properties. This amino acid position is conserved. In addition, this alteration is predicted to be tolerated by in silico analysis. Since supporting evidence is limited at this time, the clinical significance of this alteration remains unclear.

Sema4
Classification: Uncertain significance for Hereditary cancer-predisposing syndrome. Last evaluated: 2021-07-29. Review status: criteria provided, single submitter. Criteria: Sema4 Curation Guidelines. Collection method: curation. Allele origin: germline.
Comment: The PALB2 c.658A>G (p.S220G) variant has not been reported in individuals with PALB2-related disorders. It ws observed in a control individual from a breast cancer case control study (PMID 33471991). This variant was not observed in the large and broad cohorts of the Genome Aggregation Database (PMID: 32461654). This variant has not been reported in ClinVar. Functional studies have not been performed, and in silico tool predictions of the variant's effect on protein function are benign. The overall evidence is insufficient to meet ACMG/AMP criteria for classifying it as benign or pathogenic. In summary, the clinical significance of this variant is currently uncertain.

Labcorp Genetics (formerly Invitae), Labcorp
Classification: Uncertain significance for Familial cancer of breast. Last evaluated: 2020-12-15. Review status: criteria provided, single submitter. Criteria: Invitae Variant Classification Sherloc (09022015). Collection method: clinical testing. Allele origin: germline.
Comment: This variant is not present in population databases (ExAC no frequency). In summary, the available evidence is currently insufficient to determine the role of this variant in disease. Therefore, it has been classified as a Variant of Uncertain Significance. Algorithms developed to predict the effect of missense changes on protein structure and function output the following: SIFT: "Tolerated"; PolyPhen-2: "Benign"; Align-GVGD: "Class C0". The glycine amino acid residue is found in multiple mammalian species, suggesting that this missense change does not adversely affect protein function. These predictions have not been confirmed by published functional studies and their clinical significance is uncertain. This variant has not been reported in the literature in individuals with PALB2-related conditions. This sequence change replaces serine with glycine at codon 220 of the PALB2 protein (p.Ser220Gly). The serine residue is weakly conserved and there is a small physicochemical difference between serine and glycine.

Literature cited by the submitters: PubMed 33471991 (cited by Sema4).